The following is an entry in ClinVar:

ClinVar aggregate classification (germline): Likely benign (3 of 4 stars; one submission).

Conditions:
Galactosemia. Also called: Galactose intolerance. Identifiers: Orphanet 352, MedGen C0016952, MONDO:0018116, HP:0004919. Disease mechanism: loss of function.

Submission:

Clingen Galactosemia Variant Curation Expert Panel, ClinGen
Classification: Likely benign for Galactosemia. Last evaluated: 2026-06-23. Review status: reviewed by expert panel. Criteria: ClinGen Galactosemia ACMG Specifications GALT V1.1. Collection method: curation. Allele origin: germline. Inheritance: Autosomal recessive inheritance.
Comment: The c.820+23T>G (NM_000155.4) variant in GALT is an intronic variant that is not predicted by SpliceAI to impact splicing. In addition, it occurs at a nucleotide that is not predicted to be involved in splicing (BP4, BP7). This variant is absent from gnomAD v4 (PM2_Supporting). To our knowledge, this variant is not reported in the clinical literature in an affected individual. The Galactosemia VCEP does not consider PM2_Supporting as conflicting data with BP4 and BP7. Therefore, this variant meets the criteria to be classified as likely benign for galactosemia. ACMG/AMP criteria applied, as specified by the ClinGen Galactosemia VCEP: PM2, BP4, BP7 (GALT specifications v1.0.0).

NM_000155.4(GALT):c.820+23T>G

Gene: GALT (galactose-1-phosphate uridylyltransferase; plus strand). Cytogenetic location: 9p13.3.
Variant type: single nucleotide variant.
Coding change: c.820+23T>G on transcript NM_000155.4 (MANE Select); 23 bases into the intron after coding-DNA position 820, T replaced by G.
Molecular consequence: intron variant.
Genome position (GRCh38, 1-based): chr9:34,648,917, T>G. VCF-style: chr9-34648917-T-G. GRCh37 (hg19) VCF-style: chr9-34648914-T-G.
Other names: NM_001258332.2:c.493+23T>G; c.493+23T>G (NM_001258332.2).
Identifiers: ClinVar variation 5021471 (VCV005021471.1), dbSNP rs111033771.
Genomic context (GRCh38, chr9:34,648,917, plus strand): 5'-GCGGCGGCTACCTGAGCTGACCCCTGCTGAGCGTGATGGTCAGTCTCCCAAGTAGGATCC[T>G]GGGGCTAGGCACTGGATGGAGGTTGCTCCCAGTAGGGTCAGCATCTGGACCCCAGGCTGA-3'